The following is an entry in ClinVar:

NM_001349338.3(FOXP1):c.1652+350_1652+367del

Gene: FOXP1 (forkhead box P1; minus strand). Cytogenetic location: 3p13.
Variant type: Deletion.
Coding change: c.1652+350_1652+367del on transcript NM_001349338.3 (MANE Select); bases 350 to 367 of the intron after coding-DNA position 1652, 18 bases deleted (TCCTTTGCTGCTGCTCCT).
Molecular consequence: intron variant.
Genome position (GRCh38, 1-based): chr3:70,972,188-70,972,205, AGGAGCAGCAGCAAAGGA deleted on the plus strand (TCCTTTGCTGCTGCTCCT on the coding strand, the reverse complement: FOXP1 is on the minus strand). VCF-style (leftmost placement, unchanged base first): chr3-70972187-TAGGAGCAGCAGCAAAGGA-T. GRCh37 (hg19) VCF-style: chr3-71021338-TAGGAGCAGCAGCAAAGGA-T.
Other names: c.1531-25_1531-8del (NM_001244810.2); c.1652+350_1652+367del (NM_032682.6, NM_001349340.3, NM_001244816.2 and 1 more transcripts); c.1649+350_1649+367del (NM_001349341.3, NM_001244808.3); c.1424+350_1424+367del (NM_001244812.3); c.1349+350_1349+367del (NM_001349343.3, NM_001349337.2, NM_001370548.1 and 1 more transcripts); c.1352+350_1352+367del (NM_001349342.3, NM_001244815.2, NM_001244813.3).
Identifiers: ClinVar variation 3056315 (VCV003056315.2), dbSNP rs909711472, ClinGen allele CA76525133.

ClinVar aggregate classification (germline): Likely benign (0 of 4 stars; one submission).

Conditions:
FOXP1-related disorder. Also called: FOXP1-related condition.

Allele frequency attached by ClinVar (database versions not stated): gnomAD exomes 0.00001; gnomAD 0.00015; TOPMed 0.00015; 1000 Genomes Project 30x 0.00031.

Submission:

PreventionGenetics, part of Exact Sciences
Classification: Likely benign for FOXP1-related condition. Last evaluated: 2024-02-07. Review status: no assertion criteria provided. Collection method: clinical testing. Allele origin: germline.
Comment: This variant is classified as likely benign based on ACMG/AMP sequence variant interpretation guidelines (Richards et al. 2015 PMID: 25741868, with internal and published modifications).